The following is an entry in ClinVar:

ClinVar aggregate classification (germline): Conflicting classifications of pathogenicity. Review status: criteria provided, conflicting classifications (1 of 4 stars). 4 submissions from 4 submitters: Uncertain significance (2); Likely benign (2). Last evaluated 2026-09-10.

Conditions:
Hereditary cancer-predisposing syndrome. Also called: Hereditary Cancer Syndrome; Neoplastic Syndromes, Hereditary; Hereditary neoplastic syndrome; Tumor predisposition. Identifiers: Orphanet 140162, MedGen C0027672, MeSH D009386, MONDO:0015356.
Tuberous sclerosis syndrome (TSC). Also called: Tuberous Sclerosis Complex; Tuberous sclerosis. Identifiers: Orphanet 805, MedGen C0041341, MONDO:0001734.
Tuberous sclerosis 1 (TSC1). Identifiers: Orphanet 805, MedGen C1854465, MONDO:0008612, OMIM 191100.

Allele frequency attached by ClinVar (database versions not stated): ExAC 0.00001; gnomAD exomes 0.00001.
gnomAD v4.1: 4 of 1,613,930 alleles (0.00025%); highest among the groups gnomAD compares: East Asian, 0.0045%; no homozygotes.

Submissions (4):

Ambry Genetics
Classification: Uncertain significance for Hereditary cancer-predisposing syndrome. Last evaluated: 2026-09-10. Review status: criteria provided, single submitter. Criteria: Ambry Variant Classification Scheme 2023. Collection method: clinical testing. Allele origin: germline.
Comment: The p.D675H variant (also known as c.2023G>C), located in coding exon 14 of the TSC1 gene, results from a G to C substitution at nucleotide position 2023. The aspartic acid at codon 675 is replaced by histidine, an amino acid with similar properties. This amino acid position is highly conserved in available vertebrate species. In addition, this alteration is predicted to be deleterious by in silico analysis. Based on the available evidence, the clinical significance of this variant remains unclear.

Color Diagnostics, LLC DBA Color Health
Classification: Uncertain significance for Tuberous sclerosis syndrome. Last evaluated: 2025-05-20. Review status: criteria provided, single submitter. Criteria: ACMG Guidelines, 2015. Collection method: clinical testing. Allele origin: germline.
Comment: This missense variant replaces aspartic acid with histidine at codon 675 of the TSC1 protein. Computational prediction suggests that this variant may have deleterious impact on protein structure and function. To our knowledge, functional studies have not been reported for this variant. This variant has not been reported in individuals affected with TSC1-related disorders in the literature. This variant has been identified in 3/251126 chromosomes in the general population by the Genome Aggregation Database (gnomAD). The available evidence is insufficient to determine the role of this variant in disease conclusively. Therefore, this variant is classified as a Variant of Uncertain Significance.

Myriad Genetics, Inc.
Classification: Likely benign for Tuberous sclerosis 1. Last evaluated: 2025-04-24. Review status: criteria provided, single submitter. Criteria: Myriad Autosomal Dominant, Autosomal Recessive and X-Linked Classification Criteria (2023). Collection method: clinical testing. Allele origin: unknown.
Comment: This variant is considered likely benign. This variant has been observed at a population frequency that is significantly greater than expected given the associated disease prevalence and penetrance.

Labcorp Genetics (formerly Invitae), Labcorp
Classification: Likely benign for Tuberous sclerosis 1. Last evaluated: 2024-09-27. Review status: criteria provided, single submitter. Criteria: Invitae Variant Classification Sherloc (09022015). Collection method: clinical testing. Allele origin: germline.

NM_000368.5(TSC1):c.2023G>C (p.Asp675His)

Gene: TSC1 (TSC complex subunit 1; minus strand). Cytogenetic location: 9q34.13.
Variant type: single nucleotide variant.
Coding change: c.2023G>C on transcript NM_000368.5 (MANE Select); coding-DNA position 2023, G replaced by C.
Protein change: p.Asp675His; replaces aspartic acid 675 with histidine.
Molecular consequence: missense variant.
Genome position (GRCh38, 1-based): chr9:132,904,429, C>G on the plus strand (G>C on the coding strand, the complement: TSC1 is on the minus strand). VCF-style: chr9-132904429-C-G. GRCh37 (hg19) VCF-style: chr9-135779816-C-G.
Other names: c.2020G>C, p.Asp674His (NM_001162426.2); c.1870G>C, p.Asp624His (NM_001162427.2); c.1660G>C, p.Asp554His (NM_001362177.2); short protein forms D675H, D554H, D674H, D624H.
Identifiers: ClinVar variation 1415624 (VCV001415624.13), dbSNP rs768189353, ClinGen allele CA030660.